The following is an entry in ClinVar:

ClinVar aggregate classification (germline): Uncertain significance. Review status: criteria provided, multiple submitters, no conflicts (2 of 4 stars). 2 submissions from 2 submitters: Uncertain significance (2). Last evaluated 2024-12-26.

Conditions:
Hereditary cancer-predisposing syndrome. Also called: Neoplastic Syndromes, Hereditary; Tumor predisposition; Hereditary neoplastic syndrome; Hereditary Cancer Syndrome. Identifiers: Orphanet 140162, MedGen C0027672, MeSH D009386, MONDO:0015356.

Submissions (2):

Labcorp Genetics (formerly Invitae), Labcorp
Classification: Uncertain significance. Last evaluated: 2024-12-26. Review status: criteria provided, single submitter. Criteria: Invitae Variant Classification Sherloc (09022015). Collection method: clinical testing. Allele origin: germline.
Comment: This sequence change replaces asparagine, which is neutral and polar, with lysine, which is basic and polar, at codon 791 of the CTNNA1 protein (p.Asn791Lys). This variant is not present in population databases (gnomAD no frequency). This variant has not been reported in the literature in individuals affected with CTNNA1-related conditions. ClinVar contains an entry for this variant (Variation ID: 660944). An algorithm developed to predict the effect of missense changes on protein structure and function (PolyPhen-2) suggests that this variant is likely to be tolerated. In summary, the available evidence is currently insufficient to determine the role of this variant in disease. Therefore, it has been classified as a Variant of Uncertain Significance.

Ambry Genetics
Classification: Uncertain significance for Hereditary cancer-predisposing syndrome. Last evaluated: 2023-04-11. Review status: criteria provided, single submitter. Criteria: Ambry Variant Classification Scheme 2023. Collection method: clinical testing. Allele origin: germline.
Comment: The p.N791K variant (also known as c.2373C>G), located in coding exon 16 of the CTNNA1 gene, results from a C to G substitution at nucleotide position 2373. The asparagine at codon 791 is replaced by lysine, an amino acid with similar properties. This amino acid position is highly conserved in available vertebrate species. In addition, this alteration is predicted to be tolerated by in silico analysis. The evidence for this gene-disease relationship is limited; therefore, the clinical significance of this alteration is unclear.

NM_001903.5(CTNNA1):c.2373C>G (p.Asn791Lys)

Gene: CTNNA1 (catenin alpha 1; plus strand). Cytogenetic location: 5q31.2.
Variant type: single nucleotide variant.
Coding change: c.2373C>G on transcript NM_001903.5 (MANE Select); coding-DNA position 2373, C replaced by G.
Protein change: p.Asn791Lys; replaces asparagine 791 with lysine.
Molecular consequence: missense variant. On other transcripts: intron variant (1).
Genome position (GRCh38, 1-based): chr5:138,932,652, C>G. VCF-style: chr5-138932652-C-G. GRCh37 (hg19) VCF-style: chr5-138268341-C-G.
Other names: c.2373C>G, p.Asn791Lys (NM_001290307.3, NM_001323982.2, NM_001323983.1 and 2 more transcripts); c.2064C>G, p.Asn688Lys (NM_001290309.3); c.2004C>G, p.Asn668Lys (NM_001290310.3); c.1263C>G, p.Asn421Lys (NM_001290312.1, NM_001323987.1, NM_001323988.1 and 16 more transcripts); c.2280C>G, p.Asn760Lys (NM_001323986.2); c.2373C>G (NM_001903.2); c.924C>G, p.Asn308Lys (NM_001324006.1, NM_001324007.1, NM_001324008.1 and 2 more transcripts); c.1170C>G, p.Asn390Lys (NM_001324011.1); and 2 more; short protein forms N390K, N668K, N760K, N340K, N791K, N688K, N308K, N421K.
Identifiers: ClinVar variation 660944 (VCV000660944.12), dbSNP rs754714318, ClinGen allele CA361134437.